The following is an entry in ClinVar:

ClinVar aggregate classification (germline): Pathogenic (1 of 4 stars; one submission).

Submission:

ISCA site 17
Classification: Pathogenic. Last evaluated: 2011-08-12. Review status: criteria provided, single submitter. Criteria: Kaminsky et al. (Genet Med. 2011). Collection method: clinical testing. Allele origin: unknown. Affected: yes. Observed: 1 variant allele.
Comment: Copy number variation identified through the course of routine clinical cytogenomic testing in postnatal populations. Clinical assertions have been curated as described in Kaminsky et al. 2011.

GRCh38/hg38 17p11.2(chr17:17150076-18415759)x1

Genes: ALKBH5 (alkB homolog 5, RNA demethylase; plus strand), ATPAF2 (ATP synthase mitochondrial F1 complex assembly factor 2; minus strand), COPS3 (COP9 signalosome subunit 3; minus strand), DRC3 (dynein regulatory complex subunit 3; plus strand), DRG2 (developmentally regulated GTP binding protein 2; plus strand) and 114 more. Cytogenetic location: 17p11.2.
Variant type: copy number loss.
Change: copy number 1 (one copy instead of two) of chr17:17,150,076-18,415,759 (1.27 Mb, GRCh38 coordinates, 1-based), cytogenetic band 17p11.2.
Identifiers: ClinVar variation 60458 (VCV000060458.1).